The following is an entry in ClinVar:

ClinVar aggregate classification (germline): Pathogenic (1 of 4 stars; one submission).

Conditions:
Fanconi anemia (FA). Also called: Fanconi's anemia. Identifiers: Orphanet 84, MedGen C0015625, MeSH D005199, MONDO:0019391.

Submission:

Labcorp Genetics (formerly Invitae), Labcorp
Classification: Pathogenic for Fanconi anemia. Last evaluated: 2023-01-06. Review status: criteria provided, single submitter. Criteria: Invitae Variant Classification Sherloc (09022015). Collection method: clinical testing. Allele origin: germline.
Comment: For these reasons, this variant has been classified as Pathogenic. This variant has not been reported in the literature in individuals affected with FANCA-related conditions. This variant is not present in population databases (gnomAD no frequency). This sequence change creates a premature translational stop signal (p.Trp1063Valfs*53) in the FANCA gene. It is expected to result in an absent or disrupted protein product. Loss-of-function variants in FANCA are known to be pathogenic (PMID: 19367192).

Literature cited by the submitters: PubMed 19367192.

NM_000135.4(FANCA):c.3186dup (p.Trp1063fs)

Gene: FANCA (FA complementation group A; minus strand). Cytogenetic location: 16q24.3.
Variant type: Duplication.
Coding change: c.3186dup on transcript NM_000135.4 (MANE Select); coding-DNA position 3186, one base duplicated (G; older notation c.3186dupG).
Protein change: p.Trp1063fs; shifts the reading frame from tryptophan 1063.
Molecular consequence: frameshift variant.
Genome position (GRCh38, 1-based): chr16:89,749,783, C duplicated on the plus strand (G on the coding strand, the reverse complement: FANCA is on the minus strand); the first of 3 consecutive C bases (chr16:89,749,783-89,749,785); duplicating any one gives the same sequence. VCF-style (leftmost placement, unchanged base first): chr16-89749782-A-AC. GRCh37 (hg19) VCF-style: chr16-89816190-A-AC.
Other names: c.3186dup, p.Trp1063fs (NM_001286167.3); short protein forms W1063fs.
Identifiers: ClinVar variation 2826638 (VCV002826638.3), dbSNP rs2143138507, ClinGen allele CA2739267026.